The following is an entry in ClinVar:

NM_003041.4(SLC5A2):c.1356C>G (p.Leu452=)

Gene: SLC5A2 (solute carrier family 5 member 2; plus strand). Cytogenetic location: 16p11.2.
Variant type: single nucleotide variant.
Coding change: c.1356C>G on transcript NM_003041.4 (MANE Select); coding-DNA position 1356, C replaced by G.
Protein change: p.Leu452=; no amino-acid change (leucine 452 retained).
Molecular consequence: synonymous variant.
Genome position (GRCh38, 1-based): chr16:31,488,955, C>G. VCF-style: chr16-31488955-C-G. GRCh37 (hg19) VCF-style: chr16-31500276-C-G.
Other names: c.1356C>G (NM_003041.3).
Identifiers: ClinVar variation 2646483 (VCV002646483.25), dbSNP rs199626017, ClinGen allele CA494936192.
Genomic context (GRCh38, chr16:31,488,955, plus strand): 5'-CATCGTGGTAGTGTCGGTGGCCTGGCTTCCCGTGGTGCAGGCGGCACAGGGCGGGCAGCT[C>G]TTCGATTACATCCAGGCAGTCTCTAGCTACCTGGCACCGCCCGTGTCCGCCGTCTTCGTG-3'
Protein context (NP_003032.1, residues 442-462): PVVQAAQGGQ[Leu452=]FDYIQAVSSY

ClinVar aggregate classification (germline): Likely benign. Review status: criteria provided, single submitter (1 of 4 stars). 2 submissions from 2 submitters: Likely benign (1). 1 of the submissions does not count toward it. Last evaluated 2022-10-01.

Conditions:
SLC5A2-related disorder. Also called: SLC5A2-related condition.

gnomAD v4.1: 3 of 1,603,214 alleles (0.00019%); highest among the groups gnomAD compares: Non-Finnish European, 0.00025%; no homozygotes.

Submissions (2):

CeGaT Center for Human Genetics Tuebingen
Classification: Likely benign. Last evaluated: 2022-10-01. Review status: criteria provided, single submitter. Criteria: CeGaT Center For Human Genetics Tuebingen Variant Classification Criteria Version 2. Collection method: clinical testing. Allele origin: germline. Affected: yes. Observed: 1 variant allele.
Comment: SLC5A2: BP4, BP7

PreventionGenetics, part of Exact Sciences
Classification: Likely benign for SLC5A2-related condition. Last evaluated: 2019-09-06. Review status: no assertion criteria provided. Collection method: clinical testing. Allele origin: germline. Not counted in ClinVar's aggregate classification.
Comment: This variant is classified as likely benign based on ACMG/AMP sequence variant interpretation guidelines (Richards et al. 2015 PMID: 25741868, with internal and published modifications).